The following is an entry in ClinVar:

NM_000204.5(CFI):c.1289T>C (p.Ile430Thr)

Gene: CFI (complement factor I; minus strand). Cytogenetic location: 4q25.
Variant type: single nucleotide variant.
Coding change: c.1289T>C on transcript NM_000204.5 (MANE Select); coding-DNA position 1289, T replaced by C.
Protein change: p.Ile430Thr; replaces isoleucine 430 with threonine.
Molecular consequence: missense variant. On other transcripts: non-coding transcript variant (2).
Genome position (GRCh38, 1-based): chr4:109,746,362, A>G on the plus strand (T>C on the coding strand, the complement: CFI is on the minus strand). VCF-style: chr4-109746362-A-G. GRCh37 (hg19) VCF-style: chr4-110667518-A-G.
Other names: c.1313T>C, p.Ile438Thr (NM_001318057.2, NM_001375278.1); c.1268T>C, p.Ile423Thr (NM_001331035.2, NM_001375280.1, NM_001375282.1); c.1289T>C, p.Ile430Thr (NM_001375279.1, NM_001375281.1); c.1232T>C, p.Ile411Thr (NM_001375283.1); c.680T>C, p.Ile227Thr (NM_001375284.1); short protein forms I227T, I411T, I423T, I430T, I438T.
Identifiers: ClinVar variation 1712453 (VCV001712453.5), dbSNP rs754872751, ClinGen allele CA3041953.
Genomic context (GRCh38, chr4:109,746,362, plus strand): 5'-ATGGAACGAGGCAGCTCACAATCTTTTTTGTTTCCGTCTTTTTTCATTTCAATCAAAGCG[A>G]TGTCATTTTGGTAAGTGCCTGCATTGTAGTTTTCATGGAAAATAATTCTATCCACGTATT-3'
Protein context (NP_000195.3, residues 420-440): NYNAGTYQND[Ile430Thr]ALIEMKKDGN

ClinVar aggregate classification (germline): Conflicting classifications of pathogenicity. Review status: criteria provided, conflicting classifications (1 of 4 stars). 3 submissions from 3 submitters: Likely pathogenic (1); Uncertain significance (2). Last evaluated 2026-09-17.

Conditions:
Atypical hemolytic-uremic syndrome. Identifiers: Orphanet 2134, MedGen C2931788, MONDO:0016244.

Allele frequency attached by ClinVar (database versions not stated): ExAC 0.00001.

Submissions (3):

Genomenon, Inc
Classification: Likely pathogenic for Atypical hemolytic-uremic syndrome. Last evaluated: 2026-09-17. Review status: criteria provided, single submitter. Criteria: Genomenon Sequence Variant Interpretation Standards - Updated. Collection method: curation. Allele origin: germline. Affected: yes.
Comment: CFI p.Ile430Thr (c.1289T>C) is a missense variant that changes the amino acid at codon 430 from Isoleucine to Threonine. This variant has been observed in at least one proband affected with atypical hemolytic-uremic syndrome (PMID:37466676). This variant is located in a mutational hotspot and/or important functional domain. It is absent or not present at a significant frequency in gnomAD. In silico models predict that this variant is possibly or probably damaging. In conclusion, we classify CFI p.Ile430Thr (c.1289T>C) as a likely pathogenic variant.

Labcorp Genetics (formerly Invitae), Labcorp
Classification: Uncertain significance. Last evaluated: 2025-12-30. Review status: criteria provided, single submitter. Criteria: Invitae Variant Classification Sherloc (09022015). Collection method: clinical testing. Allele origin: germline.
Comment: This sequence change replaces isoleucine, which is neutral and non-polar, with threonine, which is neutral and polar, at codon 430 of the CFI protein (p.Ile430Thr). This variant is present in population databases (rs754872751, gnomAD 0.003%). This missense change has been observed in individual(s) with clinical features of CFI-related conditions (PMID: 37466676). ClinVar contains an entry for this variant (Variation ID: 1712453). Invitae Evidence Modeling of protein sequence and biophysical properties (such as structural, functional, and spatial information, amino acid conservation, physicochemical variation, residue mobility, and thermodynamic stability) indicates that this missense variant is expected to disrupt CFI protein function with a positive predictive value of 80%. In summary, the available evidence is currently insufficient to determine the role of this variant in disease. Therefore, it has been classified as a Variant of Uncertain Significance.

Genome Diagnostics Laboratory, The Hospital for Sick Children
Classification: Uncertain significance for Atypical hemolytic-uremic syndrome. Last evaluated: 2021-06-18. Review status: criteria provided, single submitter. Criteria: ACMG Guidelines, 2015. Collection method: clinical testing. Allele origin: germline.

Literature cited by the submitters: PubMed 37466676 (cited by Genomenon, Inc and Labcorp Genetics (formerly Invitae), Labcorp).